The following is an entry in ClinVar:

ClinVar aggregate classification (germline): Likely benign. Review status: criteria provided, multiple submitters, no conflicts (2 of 4 stars). 2 submissions from 2 submitters: Likely benign (2). Last evaluated 2024-10-09.

Conditions:
CACNA1E-related disorder. Also called: CACNA1E-related condition.

Submissions (2):

PreventionGenetics, part of Exact Sciences
Classification: Likely benign for CACNA1E-related condition. Last evaluated: 2024-10-09. Review status: criteria provided, single submitter. Criteria: ACMG Guidelines, 2015. Collection method: clinical testing. Allele origin: germline.
Comment: This variant is classified as likely benign based on ACMG/AMP sequence variant interpretation guidelines (Richards et al. 2015 PMID: 25741868, with internal and published modifications).

Labcorp Genetics (formerly Invitae), Labcorp
Classification: Likely benign. Last evaluated: 2023-06-18. Review status: criteria provided, single submitter. Criteria: Invitae Variant Classification Sherloc (09022015). Collection method: clinical testing. Allele origin: germline.

NM_001205293.3(CACNA1E):c.5058A>C (p.Ser1686=)

Gene: CACNA1E (calcium voltage-gated channel subunit alpha1 E; plus strand). Cytogenetic location: 1q25.3.
Variant type: single nucleotide variant.
Coding change: c.5058A>C on transcript NM_001205293.3 (MANE Select); coding-DNA position 5058, A replaced by C.
Protein change: p.Ser1686=; no amino-acid change (serine 1686 retained).
Molecular consequence: synonymous variant.
Genome position (GRCh38, 1-based): chr1:181,772,150, A>C. VCF-style: chr1-181772150-A-C. GRCh37 (hg19) VCF-style: chr1-181741286-A-C.
Other names: c.5058A>C (NM_000721.3); c.5058A>C, p.Ser1686= (NM_000721.4); c.5001A>C, p.Ser1667= (NM_001205294.2).
Identifiers: ClinVar variation 2825569 (VCV002825569.4), dbSNP rs2529129331, ClinGen allele CA422088911.